The following is an entry in ClinVar:

NM_001112741.2(KCNC1):c.974C>T (p.Thr325Ile)

Gene: KCNC1 (potassium voltage-gated channel subfamily C member 1; plus strand). Cytogenetic location: 11p15.1.
Variant type: single nucleotide variant.
Coding change: c.974C>T on transcript NM_001112741.2 (MANE Select); coding-DNA position 974, C replaced by T.
Protein change: p.Thr325Ile; replaces threonine 325 with isoleucine.
Molecular consequence: missense variant.
Genome position (GRCh38, 1-based): chr11:17,772,068, C>T. VCF-style: chr11-17772068-C-T. GRCh37 (hg19) VCF-style: chr11-17793615-C-T.
Other names: c.974C>T, p.Thr325Ile (NM_004976.4); short protein forms T325I.
Identifiers: ClinVar variation 4795604 (VCV004795604.1).

ClinVar aggregate classification (germline): Uncertain significance (1 of 4 stars; one submission).

Submission:

GeneDx
Classification: Uncertain significance. Last evaluated: 2025-08-13. Review status: criteria provided, single submitter. Criteria: GeneDx Variant Classification Process June 2021. Collection method: clinical testing. Allele origin: germline. Affected: yes.
Comment: Not observed at significant frequency in large population cohorts (gnomAD); In silico analysis supports that this missense variant has a deleterious effect on protein structure/function; Has not been previously published as pathogenic or benign to our knowledge